The following is an entry in ClinVar:

ClinVar aggregate classification (germline): Uncertain significance (1 of 4 stars; one submission).

gnomAD v4.1: 2 of 1,613,632 alleles (0.00012%); highest among the groups gnomAD compares: Admixed American, 0.0017%; no homozygotes.

Submission:

Labcorp Genetics (formerly Invitae), Labcorp
Classification: Uncertain significance. Last evaluated: 2024-08-30. Review status: criteria provided, single submitter. Criteria: Invitae Variant Classification Sherloc (09022015). Collection method: clinical testing. Allele origin: germline.
Comment: This sequence change replaces threonine, which is neutral and polar, with serine, which is neutral and polar, at codon 2976 of the SRCAP protein (p.Thr2976Ser). This variant is not present in population databases (gnomAD no frequency). This variant has not been reported in the literature in individuals affected with SRCAP-related conditions. Invitae Evidence Modeling of protein sequence and biophysical properties (such as structural, functional, and spatial information, amino acid conservation, physicochemical variation, residue mobility, and thermodynamic stability) indicates that this missense variant is not expected to disrupt SRCAP protein function with a negative predictive value of 80%. In summary, the available evidence is currently insufficient to determine the role of this variant in disease. Therefore, it has been classified as a Variant of Uncertain Significance.

NM_006662.3(SRCAP):c.8927C>G (p.Thr2976Ser)

Gene: SRCAP (Snf2 related CREBBP activator protein; plus strand). Cytogenetic location: 16p11.2.
Variant type: single nucleotide variant.
Coding change: c.8927C>G on transcript NM_006662.3 (MANE Select); coding-DNA position 8927, C replaced by G.
Protein change: p.Thr2976Ser; replaces threonine 2976 with serine.
Molecular consequence: missense variant.
Genome position (GRCh38, 1-based): chr16:30,738,967, C>G. VCF-style: chr16-30738967-C-G. GRCh37 (hg19) VCF-style: chr16-30750288-C-G.
Other names: short protein forms T2976S.
Identifiers: ClinVar variation 3614502 (VCV003614502.2).